The following is an entry in ClinVar:

ClinVar aggregate classification (germline): Uncertain significance (1 of 4 stars; one submission).

Submission:

Labcorp Genetics (formerly Invitae), Labcorp
Classification: Uncertain significance. Last evaluated: 2025-10-24. Review status: criteria provided, single submitter. Criteria: Invitae Variant Classification Sherloc (09022015). Collection method: clinical testing. Allele origin: germline.
Comment: This sequence change replaces leucine, which is neutral and non-polar, with valine, which is neutral and non-polar, at codon 1008 of the CACNA1E protein (p.Leu1008Val). This variant is not present in population databases (gnomAD no frequency). This variant has not been reported in the literature in individuals affected with CACNA1E-related conditions. ClinVar contains an entry for this variant (Variation ID: 2799868). Invitae Evidence Modeling of protein sequence and biophysical properties (such as structural, functional, and spatial information, amino acid conservation, physicochemical variation, residue mobility, and thermodynamic stability) indicates that this missense variant is not expected to disrupt CACNA1E protein function with a negative predictive value of 95%. In summary, the available evidence is currently insufficient to determine the role of this variant in disease. Therefore, it has been classified as a Variant of Uncertain Significance.

NM_001205293.3(CACNA1E):c.3022C>G (p.Leu1008Val)

Gene: CACNA1E (calcium voltage-gated channel subunit alpha1 E; plus strand). Cytogenetic location: 1q25.3.
Variant type: single nucleotide variant.
Coding change: c.3022C>G on transcript NM_001205293.3 (MANE Select); coding-DNA position 3022, C replaced by G.
Protein change: p.Leu1008Val; replaces leucine 1008 with valine.
Molecular consequence: missense variant.
Genome position (GRCh38, 1-based): chr1:181,733,510, C>G. VCF-style: chr1-181733510-C-G. GRCh37 (hg19) VCF-style: chr1-181702646-C-G.
Other names: c.3022C>G, p.Leu1008Val (NM_000721.4); c.2965C>G, p.Leu989Val (NM_001205294.2); short protein forms L1008V, L989V.
Identifiers: ClinVar variation 2799868 (VCV002799868.3), dbSNP rs2528710893, ClinGen allele CA343620648.
Genomic context (GRCh38, chr1:181,733,510, plus strand): 5'-ATGGTGTCCAGAGGCTCCGGGCTGGCAGGAGGCCTTGATGAGGCTGACACCCCCCTAGTC[C>G]TGCCCCATCCTGAGCTGGAAGTGGGGAAGCACGTGGTGCTGACGGAGCAGGAGCCAGAAG-3'
Protein context (NP_001192222.1, residues 998-1018): GLDEADTPLV[Leu1008Val]PHPELEVGKH